The following is an entry in ClinVar:

ClinVar aggregate classification (germline): Conflicting classifications of pathogenicity. Review status: criteria provided, conflicting classifications (1 of 4 stars). 5 submissions from 5 submitters: Uncertain significance (3); Likely benign (2). Last evaluated 2022-07-05.

Conditions:
Familial thoracic aortic aneurysm and aortic dissection (TAAD). Also called: Thoracic aortic aneurysms and dissections. Identifiers: Orphanet 91387, MedGen C4707243, MONDO:0019625.
Arterial tortuosity syndrome (ATORS). Identifiers: Orphanet 3342, MedGen C1859726, MONDO:0008818, OMIM 208050.

Allele frequency attached by ClinVar (database versions not stated): TOPMed 0.00006; gnomAD 0.00014 and 0.00015.
gnomAD v4.1: 126 of 1,614,130 alleles (0.0078%); highest among the groups gnomAD compares: East Asian, 0.016%; no homozygotes.

Submissions (5):

Labcorp Genetics (formerly Invitae), Labcorp
Classification: Uncertain significance for Arterial tortuosity syndrome. Last evaluated: 2022-07-05. Review status: criteria provided, single submitter. Criteria: Invitae Variant Classification Sherloc (09022015). Collection method: clinical testing. Allele origin: germline.
Comment: This sequence change replaces valine, which is neutral and non-polar, with methionine, which is neutral and non-polar, at codon 270 of the SLC2A10 protein (p.Val270Met). This variant is present in population databases (rs749220947, gnomAD 0.04%). This variant has not been reported in the literature in individuals affected with SLC2A10-related conditions. ClinVar contains an entry for this variant (Variation ID: 915746). Advanced modeling of protein sequence and biophysical properties (such as structural, functional, and spatial information, amino acid conservation, physicochemical variation, residue mobility, and thermodynamic stability) performed at Invitae indicates that this missense variant is not expected to disrupt SLC2A10 protein function. In summary, the available evidence is currently insufficient to determine the role of this variant in disease. Therefore, it has been classified as a Variant of Uncertain Significance.

Center for Genomics, Ann and Robert H. Lurie Children's Hospital of Chicago
Classification: Uncertain significance for Arterial tortuosity syndrome. Last evaluated: 2021-03-30. Review status: criteria provided, single submitter. Criteria: ACMG Guidelines, 2015. Collection method: clinical testing. Allele origin: germline.
Comment: SLC2A10 NM_030777.3 exon 2 p.Val270Met (c.808G>A): This variant has been reported in the literature in the heterozygous state as de novo in one individual with autism (Iossifov 2014 PMID:25363768). This variant is present in 0.03% (4/10628) of Finnish alleles in the Genome Aggregation Database and is present in ClinVar (Variation ID:915746). This variant amino acid Methionine (Met) is present in 5 species including the multiple primates and other mammals, and it is not well conserved among evolutionarily distant species; this suggests that this variant may not impact the protein. Additional computational prediction tools do not suggest an impact. In summary, data on this variant is insufficient for disease classification. Therefore, the clinical significance of this variant is uncertain.

Ambry Genetics
Classification: Likely benign for Familial thoracic aortic aneurysm and aortic dissection. Last evaluated: 2020-02-06. Review status: criteria provided, single submitter. Criteria: Ambry Variant Classification Scheme 2023. Collection method: clinical testing. Allele origin: germline.

GeneDx
Classification: Uncertain significance. Last evaluated: 2019-11-04. Review status: criteria provided, single submitter. Criteria: GeneDx Variant Classification Process June 2021. Collection method: clinical testing. Allele origin: germline. Affected: yes.
Comment: In silico analysis, which includes protein predictors and evolutionary conservation, supports that this variant does not alter protein structure/function; This variant is associated with the following publications: (PMID: 25363768)

CHEO Genetics Diagnostic Laboratory, Children's Hospital of Eastern Ontario
Classification: Likely benign for Familial thoracic aortic aneurysm and aortic dissection. Last evaluated: 2018-05-07. Review status: criteria provided, single submitter. Criteria: ACMG Guidelines, 2015. Collection method: clinical testing. Allele origin: germline.

NM_030777.4(SLC2A10):c.808G>A (p.Val270Met)

Gene: SLC2A10 (solute carrier family 2 member 10; plus strand). Cytogenetic location: 20q13.12.
Variant type: single nucleotide variant.
Coding change: c.808G>A on transcript NM_030777.4 (MANE Select); coding-DNA position 808, G replaced by A.
Protein change: p.Val270Met; replaces valine 270 with methionine.
Molecular consequence: missense variant.
Genome position (GRCh38, 1-based): chr20:46,725,844, G>A. VCF-style: chr20-46725844-G-A. GRCh37 (hg19) VCF-style: chr20-45354483-G-A.
Other names: short protein forms V270M.
Identifiers: ClinVar variation 915746 (VCV000915746.11), dbSNP rs749220947, ClinGen allele CA9892048.